The following is an entry in ClinVar:

ClinVar aggregate classification (germline): Pathogenic (1 of 4 stars; one submission).

Submission:

Labcorp Genetics (formerly Invitae), Labcorp
Classification: Pathogenic. Last evaluated: 2025-08-16. Review status: criteria provided, single submitter. Criteria: Invitae Variant Classification Sherloc (09022015). Collection method: clinical testing. Allele origin: germline.
Comment: This sequence change creates a premature translational stop signal (p.Met116Ilefs*2) in the ASAH1 gene. It is expected to result in an absent or disrupted protein product. Loss-of-function variants in ASAH1 are known to be pathogenic (PMID: 24164096, 24355074). This variant is not present in population databases (gnomAD no frequency). This variant has not been reported in the literature in individuals affected with ASAH1-related conditions. For these reasons, this variant has been classified as Pathogenic.

Literature cited by the submitters: PubMed 24164096; PubMed 24355074.

NM_177924.5(ASAH1):c.346_347dup (p.Met116fs)

Gene: ASAH1 (N-acylsphingosine amidohydrolase 1; minus strand). Cytogenetic location: 8p22.
Variant type: Duplication.
Coding change: c.346_347dup on transcript NM_177924.5 (MANE Select); coding-DNA positions 346 to 347, 2 bases duplicated (AT; older notation c.346_347dupAT).
Protein change: p.Met116fs; shifts the reading frame from methionine 116.
Molecular consequence: frameshift variant. On other transcripts: non-coding transcript variant (1).
Genome position (GRCh38, 1-based): chr8:18,067,255-18,067,256, AT duplicated on the plus strand (AT on the coding strand, the reverse complement: ASAH1 is on the minus strand). VCF-style (leftmost placement, unchanged base first): chr8-18067254-C-CAT. GRCh37 (hg19) VCF-style: chr8-17924763-C-CAT.
Other names: c.328_329dup, p.Met110fs (NM_001127505.3); c.151_152dup, p.Met51fs (NM_001363743.2); c.394_395dup, p.Met132fs (NM_004315.6); short protein forms M116fs, M132fs, M51fs, M110fs.
Identifiers: ClinVar variation 4774078 (VCV004774078.1).
Genomic context (GRCh38, chr8:18,067,254, plus strand): 5'-TTTTAAAGCTTCTAAGTGAACTTTACCTAAAGGTATATCAGTAACAGCGGCAATACCCTT[C>CAT]ATTTCCTCTTCAAAAGGGCCAGGAAAGTTGCCAAGTAGGCCAGGCTGGAAAACAAATATA-3'